The following is an entry in ClinVar:

ClinVar aggregate classification (germline): Benign (1 of 4 stars; one submission).

Allele frequency attached by ClinVar (database versions not stated): 1000 Genomes Project 0.00220; 1000 Genomes Project 30x 0.00234; gnomAD 0.00527; TOPMed 0.00547.
gnomAD v4.1: 801 of 152,282 alleles (0.53%); highest among the groups gnomAD compares: Non-Finnish European, 0.9%; 2 homozygotes.

Submission:

CeGaT Center for Human Genetics Tuebingen
Classification: Benign. Last evaluated: 2022-09-01. Review status: criteria provided, single submitter. Criteria: CeGaT Center For Human Genetics Tuebingen Variant Classification Criteria Version 2. Collection method: clinical testing. Allele origin: germline. Affected: yes. Observed: 8 variant alleles.
Comment: BRAF: BS1, BS2

NM_004333.6(BRAF):c.981-1309A>G

Gene: BRAF (B-Raf proto-oncogene, serine/threonine kinase; minus strand). Cytogenetic location: 7q34.
Variant type: single nucleotide variant.
Coding change: c.981-1309A>G on transcript NM_004333.6 (MANE Select); 1309 bases into the intron before coding-DNA position 981, A replaced by G.
Molecular consequence: intron variant.
Genome position (GRCh38, 1-based): chr7:140,795,776, T>C on the plus strand (A>G on the coding strand, the complement: BRAF is on the minus strand). VCF-style: chr7-140795776-T-C. GRCh37 (hg19) VCF-style: chr7-140495576-T-C.
Other names: c.981-1309A>G (NM_001354609.2, NM_001374258.1, NM_001378469.1 and 4 more transcripts); c.990-1309A>G (NM_001378467.1); c.825-1309A>G (NM_001378472.1, NM_001378473.1); c.879-1309A>G (NM_001378470.1); c.717-1309A>G (NM_001378475.1).
Identifiers: ClinVar variation 2658075 (VCV002658075.24), dbSNP rs189016559, ClinGen allele CA168101887.